The following is an entry in ClinVar:

ClinVar aggregate classification (germline): Pathogenic (1 of 4 stars; one submission).

Submission:

Labcorp Genetics (formerly Invitae), Labcorp
Classification: Pathogenic. Last evaluated: 2023-11-27. Review status: criteria provided, single submitter. Criteria: Invitae Variant Classification Sherloc (09022015). Collection method: clinical testing. Allele origin: germline.
Comment: This sequence change creates a premature translational stop signal (p.Ala1262Aspfs*12) in the TTC37 gene. It is expected to result in an absent or disrupted protein product. Loss-of-function variants in TTC37 are known to be pathogenic (PMID: 20176027, 21120949). This variant is not present in population databases (gnomAD no frequency). This variant has not been reported in the literature in individuals affected with TTC37-related conditions. For these reasons, this variant has been classified as Pathogenic.

Literature cited by the submitters: PubMed 20176027; PubMed 21120949.

NM_014639.4(SKIC3):c.3772_3784dup (p.Ala1262fs)

Gene: SKIC3 (SKI3 subunit of superkiller complex; minus strand). Cytogenetic location: 5q15.
Variant type: Duplication.
Coding change: c.3772_3784dup on transcript NM_014639.4 (MANE Select); coding-DNA positions 3772 to 3784, 13 bases duplicated (ACCATTCAGAAGG).
Protein change: p.Ala1262fs; shifts the reading frame from alanine 1262.
Molecular consequence: frameshift variant.
Genome position (GRCh38, 1-based): chr5:95,494,700-95,494,712, CCTTCTGAATGGT duplicated on the plus strand (ACCATTCAGAAGG on the coding strand, the reverse complement: SKIC3 is on the minus strand); duplicating any 13 consecutive bases within chr5:95,494,700-95,494,713 gives the same sequence; the c. name uses the placement nearest the transcript's 3' end. VCF-style (leftmost placement, unchanged base first): chr5-95494699-G-GCCTTCTGAATGGT. GRCh37 (hg19) VCF-style: chr5-94830403-G-GCCTTCTGAATGGT.
Other names: short protein forms A1262fs.
Identifiers: ClinVar variation 2697932 (VCV002697932.3), dbSNP rs2530712461, ClinGen allele CA2697546327.